The following is an entry in ClinVar:

NM_181882.3(PRX):c.1912G>A (p.Glu638Lys)

Gene: PRX (periaxin; minus strand). Cytogenetic location: 19q13.2.
Variant type: single nucleotide variant.
Coding change: c.1912G>A on transcript NM_181882.3 (MANE Select); coding-DNA position 1912, G replaced by A.
Protein change: p.Glu638Lys; replaces glutamic acid 638 with lysine.
Molecular consequence: missense variant. On other transcripts: 3 prime UTR variant (1).
Genome position (GRCh38, 1-based): chr19:40,396,440, C>T on the plus strand (G>A on the coding strand, the complement: PRX is on the minus strand). VCF-style: chr19-40396440-C-T. GRCh37 (hg19) VCF-style: chr19-40902347-C-T.
Other names: c.*2117G>A (NM_020956.2); short protein forms E638K.
Identifiers: ClinVar variation 1483270 (VCV001483270.8), dbSNP rs2145729705, ClinGen allele CA405897401.

ClinVar aggregate classification (germline): Uncertain significance (1 of 4 stars; one submission).

Conditions:
Charcot-Marie-Tooth disease type 4. Also called: Charcot-Marie-Tooth, Type 4; Charcot-Marie-Tooth disease, type IV. Identifiers: Orphanet 64749, MedGen C4082197, MONDO:0018995.

Submission:

Labcorp Genetics (formerly Invitae), Labcorp
Classification: Uncertain significance for Charcot-Marie-Tooth disease type 4. Last evaluated: 2021-02-22. Review status: criteria provided, single submitter. Criteria: Invitae Variant Classification Sherloc (09022015). Collection method: clinical testing. Allele origin: germline.
Comment: In summary, the available evidence is currently insufficient to determine the role of this variant in disease. Therefore, it has been classified as a Variant of Uncertain Significance. Algorithms developed to predict the effect of missense changes on protein structure and function are either unavailable or do not agree on the potential impact of this missense change (SIFT: "Tolerated"; PolyPhen-2: "Possibly Damaging"; Align-GVGD: "Class C0"). This variant has not been reported in the literature in individuals with PRX-related conditions. This variant is not present in population databases (ExAC no frequency). This sequence change replaces glutamic acid with lysine at codon 638 of the PRX protein (p.Glu638Lys). The glutamic acid residue is moderately conserved and there is a small physicochemical difference between glutamic acid and lysine.